The following is an entry in ClinVar:

ClinVar aggregate classification (germline): Uncertain significance (1 of 4 stars; one submission).

gnomAD v4.1: 13 of 1,612,868 alleles (0.00081%); highest among the groups gnomAD compares: Non-Finnish European, 0.0011%; no homozygotes.

Submission:

GeneDx
Classification: Uncertain significance. Last evaluated: 2025-05-28. Review status: criteria provided, single submitter. Criteria: GeneDx Variant Classification Process June 2021. Collection method: clinical testing. Allele origin: germline. Affected: yes.
Comment: Has not been previously published as pathogenic or benign to our knowledge; In silico analysis supports that this missense variant has a deleterious effect on protein structure/function

NM_001020658.2(PUM1):c.367C>T (p.Arg123Cys)

Gene: PUM1 (pumilio RNA binding family member 1; minus strand). Cytogenetic location: 1p35.2.
Variant type: single nucleotide variant.
Coding change: c.367C>T on transcript NM_001020658.2 (MANE Select); coding-DNA position 367, C replaced by T.
Protein change: p.Arg123Cys; replaces arginine 123 with cysteine.
Molecular consequence: missense variant.
Genome position (GRCh38, 1-based): chr1:31,028,861, G>A on the plus strand (C>T on the coding strand, the complement: PUM1 is on the minus strand). VCF-style: chr1-31028861-G-A. GRCh37 (hg19) VCF-style: chr1-31501708-G-A.
Other names: c.367C>T, p.Arg123Cys (NM_014676.3); short protein forms R123C.
Identifiers: ClinVar variation 4532673 (VCV004532673.1).